The following is an entry in ClinVar:

NM_015311.3(OBSL1):c.1306C>T (p.Arg436Trp)

Gene: OBSL1 (obscurin like cytoskeletal adaptor 1; minus strand). Cytogenetic location: 2q35.
Variant type: single nucleotide variant.
Coding change: c.1306C>T on transcript NM_015311.3 (MANE Select); coding-DNA position 1306, C replaced by T.
Protein change: p.Arg436Trp; replaces arginine 436 with tryptophan.
Molecular consequence: missense variant.
Genome position (GRCh38, 1-based): chr2:219,567,946, G>A on the plus strand (C>T on the coding strand, the complement: OBSL1 is on the minus strand). VCF-style: chr2-219567946-G-A. GRCh37 (hg19) VCF-style: chr2-220432668-G-A.
Other names: c.1306C>T, p.Arg436Trp (NM_001173408.2, NM_001173431.2); short protein forms R436W.
Identifiers: ClinVar variation 3370556 (VCV003370556.1).

ClinVar aggregate classification (germline): Uncertain significance (1 of 4 stars; one submission).

Submission:

GeneDx
Classification: Uncertain significance. Last evaluated: 2024-03-13. Review status: criteria provided, single submitter. Criteria: GeneDx Variant Classification Process June 2021. Collection method: clinical testing. Allele origin: germline. Affected: yes.
Comment: In silico analysis supports that this missense variant has a deleterious effect on protein structure/function; Has not been previously published as pathogenic or benign to our knowledge